The following is an entry in ClinVar:

ClinVar aggregate classification (germline): Uncertain significance. Review status: criteria provided, multiple submitters, no conflicts (2 of 4 stars). 2 submissions from 2 submitters: Uncertain significance (2). Last evaluated 2021-08-18.

Conditions:
Familial thoracic aortic aneurysm and aortic dissection (TAAD). Also called: Thoracic aortic aneurysms and dissections. Identifiers: Orphanet 91387, MedGen C4707243, MONDO:0019625.

Submissions (2):

Mayo Clinic Laboratories, Mayo Clinic
Classification: Uncertain significance. Last evaluated: 2021-08-18. Review status: criteria provided, single submitter. Criteria: ACMG Guidelines, 2015. Collection method: clinical testing. Allele origin: germline.

Ambry Genetics
Classification: Uncertain significance for Familial thoracic aortic aneurysm and aortic dissection. Last evaluated: 2020-03-17. Review status: criteria provided, single submitter. Criteria: Ambry Variant Classification Scheme 2023. Collection method: clinical testing. Allele origin: germline.
Comment: The p.N653S variant (also known as c.1958A>G), located in coding exon 28 of the COL3A1 gene, results from an A to G substitution at nucleotide position 1958. The asparagine at codon 653 is replaced by serine, an amino acid with highly similar properties. This amino acid position is not well conserved in available vertebrate species, and serine is the reference amino acid in other vertebrate species. In addition, this alteration is predicted to be tolerated by in silico analysis. Since supporting evidence is limited at this time, the clinical significance of this alteration remains unclear.

NM_000090.4(COL3A1):c.1958A>G (p.Asn653Ser)

Gene: COL3A1 (collagen type III alpha 1 chain; plus strand). Cytogenetic location: 2q32.2.
Variant type: single nucleotide variant.
Coding change: c.1958A>G on transcript NM_000090.4 (MANE Select); coding-DNA position 1958, A replaced by G.
Protein change: p.Asn653Ser; replaces asparagine 653 with serine.
Molecular consequence: missense variant.
Genome position (GRCh38, 1-based): chr2:188,998,300, A>G. VCF-style: chr2-188998300-A-G. GRCh37 (hg19) VCF-style: chr2-189863026-A-G.
Other names: p.Asn653Ser; short protein forms N653S.
Identifiers: ClinVar variation 1693854 (VCV001693854.6), dbSNP rs2153502903, ClinGen allele CA349854100.